The following is an entry in ClinVar:

NM_001378418.1(TCF20):c.3845G>A (p.Gly1282Asp)

Gene: TCF20 (transcription factor 20; minus strand). Cytogenetic location: 22q13.2.
Variant type: single nucleotide variant.
Coding change: c.3845G>A on transcript NM_001378418.1 (MANE Select); coding-DNA position 3845, G replaced by A.
Protein change: p.Gly1282Asp; replaces glycine 1282 with aspartic acid.
Molecular consequence: missense variant.
Genome position (GRCh38, 1-based): chr22:42,211,461, C>T on the plus strand (G>A on the coding strand, the complement: TCF20 is on the minus strand). VCF-style: chr22-42211461-C-T. GRCh37 (hg19) VCF-style: chr22-42607467-C-T.
Other names: c.3845G>A (NM_005650.1); c.3845G>A, p.Gly1282Asp (NM_005650.4, NM_181492.3); short protein forms G1282D.
Identifiers: ClinVar variation 3715810 (VCV003715810.3).
Genomic context (GRCh38, chr22:42,211,461, plus strand): 5'-AGATGGGCATAGGAATTGAATGCTTTATCAGCGCCTTCTTTTGATGAGTGAAGGAGGCGA[C>T]CTTTATCTTCAGTGCTACTGTTCTTTACATCTTGTGACTGTCTCTTACTGGGAATGGGAG-3'
Protein context (NP_001365347.1, residues 1272-1292): DVKNSSTEDK[Gly1282Asp]RLLHSSKEGA

ClinVar aggregate classification (germline): Conflicting classifications of pathogenicity. Review status: criteria provided, conflicting classifications (1 of 4 stars). 2 submissions from 2 submitters: Uncertain significance (1); Likely benign (1). Last evaluated 2025-08-11.

Conditions:
Inborn genetic diseases. Identifiers: MedGen C0950123, MeSH D030342.

gnomAD v4.1: 33 of 1,614,006 alleles (0.002%); highest among the groups gnomAD compares: Non-Finnish European, 0.0025%; no homozygotes.

Submissions (2):

Ambry Genetics
Classification: Likely benign for Inborn genetic diseases. Last evaluated: 2025-08-11. Review status: criteria provided, single submitter. Criteria: Ambry Variant Classification Scheme 2023. Collection method: clinical testing. Allele origin: germline.

Labcorp Genetics (formerly Invitae), Labcorp
Classification: Uncertain significance. Last evaluated: 2025-01-17. Review status: criteria provided, single submitter. Criteria: Invitae Variant Classification Sherloc (09022015). Collection method: clinical testing. Allele origin: germline.
Comment: This sequence change replaces glycine, which is neutral and non-polar, with aspartic acid, which is acidic and polar, at codon 1282 of the TCF20 protein (p.Gly1282Asp). This variant is present in population databases (rs377230109, gnomAD 0.004%). This variant has not been reported in the literature in individuals affected with TCF20-related conditions. An algorithm developed to predict the effect of missense changes on protein structure and function (PolyPhen-2) suggests that this variant is likely to be disruptive. In summary, the available evidence is currently insufficient to determine the role of this variant in disease. Therefore, it has been classified as a Variant of Uncertain Significance.